The following is an entry in ClinVar:

ClinVar aggregate classification (germline): Benign (1 of 4 stars; one submission).

Allele frequency attached by ClinVar (database versions not stated): gnomAD exomes 0.00002; TOPMed 0.00037; gnomAD 0.00048.

Submission:

CeGaT Center for Human Genetics Tuebingen
Classification: Benign. Last evaluated: 2022-05-01. Review status: criteria provided, single submitter. Criteria: CeGaT Center For Human Genetics Tuebingen Variant Classification Criteria Version 2. Collection method: clinical testing. Allele origin: germline. Affected: yes. Observed: 1 variant allele.
Comment: PRKCG: BS1, BS2

NM_002739.5(PRKCG):c.*432G>A

Gene: PRKCG (protein kinase C gamma; plus strand). Cytogenetic location: 19q13.42.
Variant type: single nucleotide variant.
Coding change: c.*432G>A on transcript NM_002739.5 (MANE Select); 432 bases downstream of the stop codon, G replaced by A.
Molecular consequence: 3 prime UTR variant.
Genome position (GRCh38, 1-based): chr19:53,907,327, G>A. VCF-style: chr19-53907327-G-A. GRCh37 (hg19) VCF-style: chr19-54410581-G-A.
Other names: c.*291G>A (NM_001316329.2).
Identifiers: ClinVar variation 2650414 (VCV002650414.24), dbSNP rs934602771, ClinGen allele CA310096518.